The following is an entry in ClinVar:

ClinVar aggregate classification (germline): Pathogenic/Likely pathogenic. Review status: criteria provided, multiple submitters, no conflicts (2 of 4 stars). 2 submissions from 2 submitters: Pathogenic (1); Likely pathogenic (1). Last evaluated 2024-10-29.

Conditions:
Ataxia - intellectual disability - oculomotor apraxia - cerebellar cysts syndrome. Also called: Poretti-Boltshauser syndrome. Identifiers: Orphanet 370022, MedGen C4014821, MONDO:0014419, OMIM 615960.
LAMA1-related disorder. Also called: LAMA1-related condition; LAMA1-related disorders.

Submissions (2):

Blueprint Genetics
Classification: Likely pathogenic for LAMA1-related disorders. Last evaluated: 2024-10-29. Review status: criteria provided, single submitter. Criteria: ACMG Guidelines, 2015. Collection method: clinical testing. Allele origin: germline. Affected: yes. Observed: 1 variant allele.

Women's Health and Genetics/Laboratory Corporation of America, LabCorp
Classification: Pathogenic for Ataxia - intellectual disability - oculomotor apraxia - cerebellar cysts syndrome. Last evaluated: 2024-03-14. Review status: criteria provided, single submitter. Criteria: LabCorp Variant Classification Summary - May 2015. Collection method: clinical testing. Allele origin: germline.
Comment: Variant summary: LAMA1 c.279_280delinsTT (p.Trp93CysfsX2) results in a premature termination codon, predicted to cause a truncation of the encoded protein or absence of the protein due to nonsense mediated decay, which are commonly known mechanisms for disease. The variant was absent in 251444 control chromosomes. To our knowledge, no occurrence of c.279_280delinsTT in individuals affected with Ataxia-Intellectual Disability-Oculomotor Apraxia-Cerebellar Cysts Syndrome and no experimental evidence demonstrating its impact on protein function have been reported. No submitters have cited clinical-significance assessments for this variant to ClinVar. Based on the evidence outlined above, the variant was classified as pathogenic.

NM_005559.4(LAMA1):c.279_280delinsTT (p.Trp93_Gln94delinsCysTer)

Gene: LAMA1 (laminin subunit alpha 1; minus strand). Cytogenetic location: 18p11.31.
Variant type: Indel.
Coding change: c.279_280delinsTT on transcript NM_005559.4 (MANE Select); coding-DNA positions 279 to 280, GC replaced by TT.
Protein change: p.Trp93_Gln94delinsCysTer.
Molecular consequence: nonsense.
Genome position (GRCh38, 1-based): chr18:7,080,040-7,080,041, GC replaced by AA on the plus strand (GC replaced by TT on the coding strand, the reverse complement: LAMA1 is on the minus strand). VCF-style: chr18-7080040-GC-AA. GRCh37 (hg19) VCF-style: chr18-7080039-GC-AA.
Identifiers: ClinVar variation 3233948 (VCV003233948.3), dbSNP rs2510109572, ClinGen allele CA2825002708.